The following is an entry in ClinVar:

ClinVar aggregate classification (germline): Uncertain significance (1 of 4 stars; one submission).

Conditions:
Syndromic multisystem autoimmune disease due to ITCH deficiency. Also called: AUTOIMMUNE DISEASE, MULTISYSTEM, WITH FACIAL DYSMORPHISM. Identifiers: Orphanet 228426, MedGen C3150649, MONDO:0013245, OMIM 613385.

Submission:

Labcorp Genetics (formerly Invitae), Labcorp
Classification: Uncertain significance for Syndromic multisystem autoimmune disease due to ITCH deficiency. Last evaluated: 2024-07-12. Review status: criteria provided, single submitter. Criteria: Invitae Variant Classification Sherloc (09022015). Collection method: clinical testing. Allele origin: germline.
Comment: This sequence change replaces glutamine, which is neutral and polar, with histidine, which is basic and polar, at codon 389 of the ITCH protein (p.Gln389His). This variant is present in population databases (rs577228627, gnomAD 0.003%). This variant has not been reported in the literature in individuals affected with ITCH-related conditions. An algorithm developed to predict the effect of missense changes on protein structure and function (PolyPhen-2) suggests that this variant is likely to be disruptive. In summary, the available evidence is currently insufficient to determine the role of this variant in disease. Therefore, it has been classified as a Variant of Uncertain Significance.

NM_031483.7(ITCH):c.1167A>T (p.Gln389His)

Gene: ITCH (itchy E3 ubiquitin protein ligase; plus strand). Cytogenetic location: 20q11.22.
Variant type: single nucleotide variant.
Coding change: c.1167A>T on transcript NM_031483.7 (MANE Select); coding-DNA position 1167, A replaced by T.
Protein change: p.Gln389His; replaces glutamine 389 with histidine.
Molecular consequence: missense variant.
Genome position (GRCh38, 1-based): chr20:34,449,437, A>T. VCF-style: chr20-34449437-A-T. GRCh37 (hg19) VCF-style: chr20-33037242-A-T.
Other names: c.1290A>T, p.Gln430His (NM_001257137.3, NM_001324197.2); c.837A>T, p.Gln279His (NM_001257138.3); c.1167A>T, p.Gln389His (NM_001324198.2); short protein forms Q389H, Q279H, Q430H.
Identifiers: ClinVar variation 3675139 (VCV003675139.2).
Genomic context (GRCh38, chr20:34,449,437, plus strand): 5'-GTTAATAGTTTCATCACTTTTTGGTTCTTTTTAGAATCAAGATTTATTTGCTACATCACA[A>T]AGTAAAGAATTTGATCCTCTTGGTCCATTGCCACCTGGATGGGGTAAGTCACATGAGTTT-3'
Protein context (NP_113671.3, residues 379-399): YGNQDLFATS[Gln389His]SKEFDPLGPL